The following is an entry in ClinVar:

ClinVar aggregate classification (germline): Pathogenic (1 of 4 stars; one submission).

Conditions:
MHC class II deficiency. Also called: Bare lymphocyte syndrome 2; BLS, TYPE II. Identifiers: Orphanet 572, MedGen C5447452, MONDO:0008855.

Submission:

Labcorp Genetics (formerly Invitae), Labcorp
Classification: Pathogenic for MHC class II deficiency. Last evaluated: 2022-05-07. Review status: criteria provided, single submitter. Criteria: Invitae Variant Classification Sherloc (09022015). Collection method: clinical testing. Allele origin: germline.
Comment: This variant is a gross deletion of the genomic region encompassing exon(s) 1 of the CIITA gene, which includes the initiator codon. This deletion extends beyond the assayed region for this gene and therefore may encompass additional genes. It is expected to result in an absent or disrupted protein product. Loss-of-function variants in CIITA are known to be pathogenic (PMID: 8402893, 9099848, 26271388). This variant has not been reported in the literature in individuals affected with CIITA-related conditions. For these reasons, this variant has been classified as Pathogenic.

Literature cited by the submitters: PubMed 8402893; PubMed 9099848; PubMed 26271388.

NC_000016.9:g.(?_10637407)_(10971259_?)del

Genes: CIITA (class II major histocompatibility complex transactivator; plus strand), EMP2 (epithelial membrane protein 2; minus strand), NUBP1 (NUBP iron-sulfur cluster assembly factor 1, cytosolic; plus strand), TEKT5 (tektin 5; minus strand), TVP23A (trans-golgi network vesicle protein 23 homolog A; minus strand). Cytogenetic location: 16p13.13.
Variant type: Deletion.
Identifiers: ClinVar variation 2422627 (VCV002422627.3).